The following is an entry in ClinVar:

ClinVar aggregate classification (germline): Uncertain significance. Review status: criteria provided, multiple submitters, no conflicts (2 of 4 stars). 2 submissions from 2 submitters: Uncertain significance (2). Last evaluated 2026-01-27.

Allele frequency attached by ClinVar (database versions not stated): TOPMed below 0.00001.
gnomAD v4.1: 13 of 1,613,956 alleles (0.00081%); highest among the groups gnomAD compares: Non-Finnish European, 0.0011%; no homozygotes.

Submissions (2):

Labcorp Genetics (formerly Invitae), Labcorp
Classification: Uncertain significance. Last evaluated: 2026-01-27. Review status: criteria provided, single submitter. Criteria: Invitae Variant Classification Sherloc (09022015). Collection method: clinical testing. Allele origin: germline.
Comment: This sequence change replaces alanine, which is neutral and non-polar, with glycine, which is neutral and non-polar, at codon 1074 of the NPAT protein (p.Ala1074Gly). This variant is present in population databases (no rsID available, gnomAD 0.002%). This variant has not been reported in the literature in individuals affected with NPAT-related conditions. ClinVar contains an entry for this variant (Variation ID: 1729085). An algorithm developed to predict the effect of missense changes on protein structure and function outputs the following: PolyPhen-2: "Benign". The glycine amino acid residue is found in multiple mammalian species, which suggests that this missense change does not adversely affect protein function. In summary, the available evidence is currently insufficient to determine the role of this variant in disease. Therefore, it has been classified as a Variant of Uncertain Significance.

Ambry Genetics
Classification: Uncertain significance. Last evaluated: 2023-11-04. Review status: criteria provided, single submitter. Criteria: Ambry Variant Classification Scheme 2023. Collection method: clinical testing. Allele origin: germline.
Comment: The p.A1074G variant (also known as c.3221C>G), located in coding exon 17 of the NPAT gene, results from a C to G substitution at nucleotide position 3221. The alanine at codon 1074 is replaced by glycine, an amino acid with similar properties. This amino acid position is conserved. In addition, this alteration is predicted to be tolerated by in silico analysis. Since supporting evidence is limited at this time, the clinical significance of this alteration remains unclear.

NM_002519.3(NPAT):c.3221C>G (p.Ala1074Gly)

Gene: NPAT (nuclear protein, coactivator of histone transcription; minus strand). Cytogenetic location: 11q22.3.
Variant type: single nucleotide variant.
Coding change: c.3221C>G on transcript NM_002519.3 (MANE Select); coding-DNA position 3221, C replaced by G.
Protein change: p.Ala1074Gly; replaces alanine 1074 with glycine.
Molecular consequence: missense variant.
Genome position (GRCh38, 1-based): chr11:108,161,865, G>C on the plus strand (C>G on the coding strand, the complement: NPAT is on the minus strand). VCF-style: chr11-108161865-G-C. GRCh37 (hg19) VCF-style: chr11-108032592-G-C.
Other names: c.3242C>G, p.Ala1081Gly (NM_001321307.1); short protein forms A1074G, A1081G.
Identifiers: ClinVar variation 1729085 (VCV001729085.5), dbSNP rs542147397, ClinGen allele CA228374158.